The following is an entry in ClinVar:

NM_000018.4(ACADVL):c.342+1G>A

Gene: ACADVL (acyl-CoA dehydrogenase very long chain; plus strand). Cytogenetic location: 17p13.1.
Variant type: single nucleotide variant.
Coding change: c.342+1G>A on transcript NM_000018.4 (MANE Select); the canonical splice donor site of the intron after coding-DNA position 342, G replaced by A.
Molecular consequence: splice donor variant.
Genome position (GRCh38, 1-based): chr17:7,220,831, G>A. VCF-style: chr17-7220831-G-A. GRCh37 (hg19) VCF-style: chr17-7124150-G-A.
Other names: c.411+1G>A (NM_001270447.2); c.114+1G>A (NM_001270448.2); c.276+1G>A (NM_001033859.3).
Identifiers: ClinVar variation 1707705 (VCV001707705.2), dbSNP rs780020193, ClinGen allele CA8337657.
Genomic context (GRCh38, chr17:7,220,831, plus strand): 5'-AACGAAGAGCAGACACAGTTTCTTAAAGAGCTGGTGGAGCCTGTGTCCCGTTTCTTCGAG[G>A]TAAGGAATGACTCGGGGCTTGGTCCCTGGTGAGGTGTTTGGAGATGTTAAGCTCAAAAGG-3'

ClinVar aggregate classification (germline): Likely pathogenic (3 of 4 stars; one submission).

Conditions:
Very long chain acyl-CoA dehydrogenase deficiency (ACADVLD). Also called: VLCAD Deficiency; Very Long-Chain Acyl-Coenzyme A Dehydrogenase Deficiency. Identifiers: Orphanet 26793, MedGen C3887523, MONDO:0008723, OMIM 201475.

Allele frequency attached by ClinVar (database versions not stated): ExAC 0.00001.

Submission:

ClinGen ACADVL Variant Curation Expert Panel, ClinGen
Classification: Likely pathogenic for Very long chain acyl-CoA dehydrogenase deficiency. Last evaluated: 2022-09-23. Review status: reviewed by expert panel. Criteria: clingen acadvl acmg specifications v1. Collection method: curation. Allele origin: germline. Inheritance: Autosomal recessive inheritance.
Comment: The c.342+1G>A variant in ACADVL is a splice site variant affecting the canonical donor splice site in intron 5. It is expected to disrupt RNA splicing and likely results in an absent or disrupted protein product. This variant is present at low frequency (<0.1%) in population databases (ExAC). Algorithms developed to predict the effect of sequence changes on RNA splicing suggest that this variant may disrupt the consensus splice site (Splice AI). This variant has not been reported in the literature either in functional studies or in patients with VLCAD and there is no entry in ClinVar. This variant is classified as Likely Pathogenic based on ACADVL-specific ACMG/AMP criteria PVS1 and PM2.